The following is an entry in ClinVar:

NM_000834.5(GRIN2B):c.2001C>T (p.Ser667=)

Gene: GRIN2B (glutamate ionotropic receptor NMDA type subunit 2B; minus strand). Cytogenetic location: 12p13.1.
Variant type: single nucleotide variant.
Coding change: c.2001C>T on transcript NM_000834.5 (MANE Select); coding-DNA position 2001, C replaced by T.
Protein change: p.Ser667=; no amino-acid change (serine 667 retained).
Molecular consequence: synonymous variant.
Genome position (GRCh38, 1-based): chr12:13,608,612, G>A on the plus strand (C>T on the coding strand, the complement: GRIN2B is on the minus strand). VCF-style: chr12-13608612-G-A. GRCh37 (hg19) VCF-style: chr12-13761546-G-A.
Identifiers: ClinVar variation 697294 (VCV000697294.19), dbSNP rs200392452, ClinGen allele CA6461153.

ClinVar aggregate classification (germline): Likely benign. Review status: criteria provided, multiple submitters, no conflicts (2 of 4 stars). 3 submissions from 3 submitters: Likely benign (2). 1 of the submissions does not count toward it. Last evaluated 2025-11-01.

Conditions:
GRIN2B-related disorder. Also called: GRIN2B-related condition.
Intellectual developmental disorder, autosomal dominant 6, with or without seizures. Also called: Intellectual disability, autosomal dominant 6; GRIN2B-related developmental delay, intellectual disability and autism spectrum disorder. Identifiers: Orphanet 589547, MedGen C3151411, MONDO:0013509, OMIM 613970.
Developmental and epileptic encephalopathy, 27 (DEE27). Also called: GRIN2B-Related Neurodevelopmental Disorder; Epileptic encephalopathy, early infantile, 27. Identifiers: Orphanet 3451, MedGen C4015316, MONDO:0014505, OMIM 616139.

Allele frequency attached by ClinVar (database versions not stated): gnomAD exomes 0.00007 and 0.00006; ExAC 0.00008; 1000 Genomes Project 30x 0.00016; gnomAD 0.00006; TOPMed 0.00011; 1000 Genomes Project 0.00020.
gnomAD v4.1: 105 of 1,611,002 alleles (0.0065%); highest among the groups gnomAD compares: African/African-American, 0.011%; no homozygotes.

Submissions (3):

CeGaT Center for Human Genetics Tuebingen
Classification: Likely benign. Last evaluated: 2025-11-01. Review status: criteria provided, single submitter. Criteria: CeGaT Center For Human Genetics Tuebingen Variant Classification Criteria Version 2. Collection method: clinical testing. Allele origin: germline. Affected: yes. Observed: 1 variant allele.
Comment: GRIN2B: BP4, BP7

Labcorp Genetics (formerly Invitae), Labcorp
Classification: Likely benign for Developmental and epileptic encephalopathy, 27; Intellectual developmental disorder, autosomal dominant 6, with or without seizures. Last evaluated: 2025-03-13. Review status: criteria provided, single submitter. Criteria: Invitae Variant Classification Sherloc (09022015). Collection method: clinical testing. Allele origin: germline.

PreventionGenetics, part of Exact Sciences
Classification: Likely benign for GRIN2B-related condition. Last evaluated: 2021-07-12. Review status: no assertion criteria provided. Collection method: clinical testing. Allele origin: germline. Not counted in ClinVar's aggregate classification.
Comment: This variant is classified as likely benign based on ACMG/AMP sequence variant interpretation guidelines (Richards et al. 2015 PMID: 25741868, with internal and published modifications).